The following is an entry in ClinVar:

ClinVar aggregate classification (germline): Uncertain significance (1 of 4 stars; one submission).

Conditions:
Rubinstein-Taybi syndrome (RSTS). Identifiers: Orphanet 783, MedGen C0035934, MONDO:0019188.

Submission:

Labcorp Genetics (formerly Invitae), Labcorp
Classification: Uncertain significance for Rubinstein-Taybi syndrome. Last evaluated: 2025-01-22. Review status: criteria provided, single submitter. Criteria: Invitae Variant Classification Sherloc (09022015). Collection method: clinical testing. Allele origin: germline.
Comment: This sequence change replaces methionine, which is neutral and non-polar, with lysine, which is basic and polar, at codon 493 of the CREBBP protein (p.Met493Lys). This variant is not present in population databases (gnomAD no frequency). This variant has not been reported in the literature in individuals affected with CREBBP-related conditions. Invitae Evidence Modeling of protein sequence and biophysical properties (such as structural, functional, and spatial information, amino acid conservation, physicochemical variation, residue mobility, and thermodynamic stability) indicates that this missense variant is not expected to disrupt CREBBP protein function with a negative predictive value of 95%. In summary, the available evidence is currently insufficient to determine the role of this variant in disease. Therefore, it has been classified as a Variant of Uncertain Significance.

NM_004380.3(CREBBP):c.1478T>A (p.Met493Lys)

Gene: CREBBP (CREB binding lysine acetyltransferase; minus strand). Cytogenetic location: 16p13.3.
Variant type: single nucleotide variant.
Coding change: c.1478T>A on transcript NM_004380.3 (MANE Select); coding-DNA position 1478, T replaced by A.
Protein change: p.Met493Lys; replaces methionine 493 with lysine.
Molecular consequence: missense variant.
Genome position (GRCh38, 1-based): chr16:3,782,779, A>T on the plus strand (T>A on the coding strand, the complement: CREBBP is on the minus strand). VCF-style: chr16-3782779-A-T. GRCh37 (hg19) VCF-style: chr16-3832780-A-T.
Other names: c.1364T>A, p.Met455Lys (NM_001079846.1); short protein forms M455K, M493K.
Identifiers: ClinVar variation 3637268 (VCV003637268.2).